The following is an entry in ClinVar:

ClinVar aggregate classification (germline): Uncertain significance (1 of 4 stars; one submission).

Allele frequency attached by ClinVar (database versions not stated): gnomAD 0.00002.

Submission:

Labcorp Genetics (formerly Invitae), Labcorp
Classification: Uncertain significance. Last evaluated: 2023-03-01. Review status: criteria provided, single submitter. Criteria: Invitae Variant Classification Sherloc (09022015). Collection method: clinical testing. Allele origin: germline.
Comment: This sequence change replaces serine, which is neutral and polar, with arginine, which is basic and polar, at codon 216 of the SI protein (p.Ser216Arg). This variant is not present in population databases (gnomAD no frequency). This variant has not been reported in the literature in individuals affected with SI-related conditions. Advanced modeling of protein sequence and biophysical properties (such as structural, functional, and spatial information, amino acid conservation, physicochemical variation, residue mobility, and thermodynamic stability) has been performed at Invitae for this missense variant, however the output from this modeling did not meet the statistical confidence thresholds required to predict the impact of this variant on SI protein function. In summary, the available evidence is currently insufficient to determine the role of this variant in disease. Therefore, it has been classified as a Variant of Uncertain Significance.

NM_001041.4(SI):c.648C>A (p.Ser216Arg)

Gene: SI (sucrase-isomaltase; minus strand). Cytogenetic location: 3q26.1.
Variant type: single nucleotide variant.
Coding change: c.648C>A on transcript NM_001041.4 (MANE Select); coding-DNA position 648, C replaced by A.
Protein change: p.Ser216Arg; replaces serine 216 with arginine.
Molecular consequence: missense variant.
Genome position (GRCh38, 1-based): chr3:165,065,420, G>T on the plus strand (C>A on the coding strand, the complement: SI is on the minus strand). VCF-style: chr3-165065420-G-T. GRCh37 (hg19) VCF-style: chr3-164783208-G-T.
Other names: short protein forms S216R.
Identifiers: ClinVar variation 3000042 (VCV003000042.3), dbSNP rs750121765, ClinGen allele CA2691366.
Genomic context (GRCh38, chr3:165,065,420, plus strand): 5'-ATCACTTGGAAGACGGGTTGAGATCTGTAAGTACTGGTCAGAGTACACTAAGGGACCAAT[G>T]CTGGTGTCAAACCTGCACCATAAAAGAAATAAAGAAATAATCTAATATATATATATATAT-3'
Protein context (NP_001032.2, residues 206-226): KSNGKTLFDT[Ser216Arg]IGPLVYSDQY